The following is an entry in ClinVar:

NM_032447.5(FBN3):c.2056T>C (p.Cys686Arg)

Gene: FBN3 (fibrillin 3; minus strand). Cytogenetic location: 19p13.2.
Variant type: single nucleotide variant.
Coding change: c.2056T>C on transcript NM_032447.5 (MANE Select); coding-DNA position 2056, T replaced by C.
Protein change: p.Cys686Arg; replaces cysteine 686 with arginine.
Molecular consequence: missense variant.
Genome position (GRCh38, 1-based): chr19:8,129,354, A>G on the plus strand (T>C on the coding strand, the complement: FBN3 is on the minus strand). VCF-style: chr19-8129354-A-G. GRCh37 (hg19) VCF-style: chr19-8194238-A-G.
Other names: c.2056T>C, p.Cys686Arg (NM_001321431.2); short protein forms C686R.
Identifiers: ClinVar variation 1910463 (VCV001910463.5), dbSNP rs2083071792, ClinGen allele CA403702489.

ClinVar aggregate classification (germline): Uncertain significance (1 of 4 stars; one submission).

Allele frequency attached by ClinVar (database versions not stated): gnomAD exomes below 0.00001.
gnomAD v4.1: 1 of 1,613,964 alleles (0.000062%); highest among the groups gnomAD compares: Non-Finnish European, 0.000085%; no homozygotes.

Submission:

Labcorp Genetics (formerly Invitae), Labcorp
Classification: Uncertain significance. Last evaluated: 2022-04-24. Review status: criteria provided, single submitter. Criteria: Invitae Variant Classification Sherloc (09022015). Collection method: clinical testing. Allele origin: germline.
Comment: Algorithms developed to predict the effect of missense changes on protein structure and function are either unavailable or do not agree on the potential impact of this missense change (SIFT: "Not Available"; PolyPhen-2: "Probably Damaging"; Align-GVGD: "Not Available"). This sequence change replaces cysteine, which is neutral and slightly polar, with arginine, which is basic and polar, at codon 686 of the FBN3 protein (p.Cys686Arg). This variant is not present in population databases (gnomAD no frequency). This variant has not been reported in the literature in individuals affected with FBN3-related conditions. In summary, the available evidence is currently insufficient to determine the role of this variant in disease. Therefore, it has been classified as a Variant of Uncertain Significance.